The following is an entry in ClinVar:

NM_001042492.3(NF1):c.8086C>A (p.Pro2696Thr)

Gene: NF1 (neurofibromin 1; plus strand). Cytogenetic location: 17q11.2.
Variant type: single nucleotide variant.
Coding change: c.8086C>A on transcript NM_001042492.3 (MANE Select); coding-DNA position 8086, C replaced by A.
Protein change: p.Pro2696Thr; replaces proline 2696 with threonine.
Molecular consequence: missense variant.
Genome position (GRCh38, 1-based): chr17:31,358,595, C>A. VCF-style: chr17-31358595-C-A. GRCh37 (hg19) VCF-style: chr17-29685613-C-A.
Other names: c.8023C>A, p.Pro2675Thr (NM_000267.4); short protein forms P2675T, P2696T.
Identifiers: ClinVar variation 963371 (VCV000963371.6), dbSNP rs764508546, ClinGen allele CA399203920.

ClinVar aggregate classification (germline): Uncertain significance (1 of 4 stars; one submission).

Conditions:
Neurofibromatosis, type 1 (NF1). Also called: Peripheral type neurofibromatosis; VON RECKLINGHAUSEN DISEASE; NEUROFIBROMATOSIS, TYPE I, SOMATIC; Neurofibromatosis, type I. Identifiers: Orphanet 636, MedGen C0027831, MONDO:0018975, OMIM 162200. Disease mechanism: loss of function.

Submission:

Labcorp Genetics (formerly Invitae), Labcorp
Classification: Uncertain significance for Neurofibromatosis, type 1. Last evaluated: 2019-10-01. Review status: criteria provided, single submitter. Criteria: Invitae Variant Classification Sherloc (09022015). Collection method: clinical testing. Allele origin: germline.
Comment: Algorithms developed to predict the effect of missense changes on protein structure and function are either unavailable or do not agree on the potential impact of this missense change (SIFT: "Deleterious"; PolyPhen-2: "Probably Damaging"; Align-GVGD: "Class C0"). This sequence change replaces proline with threonine at codon 2675 of the NF1 protein (p.Pro2675Thr). The proline residue is moderately conserved and there is a small physicochemical difference between proline and threonine. This variant is not present in population databases (ExAC no frequency). This variant has not been reported in the literature in individuals with NF1-related conditions. In summary, the available evidence is currently insufficient to determine the role of this variant in disease. Therefore, it has been classified as a Variant of Uncertain Significance.